The following is an entry in ClinVar:

NM_000372.5(TYR):c.1124C>T (p.Ser375Phe)

Gene: TYR (tyrosinase; plus strand). Cytogenetic location: 11q14.3.
Variant type: single nucleotide variant.
Coding change: c.1124C>T on transcript NM_000372.5 (MANE Select); coding-DNA position 1124, C replaced by T.
Protein change: p.Ser375Phe; replaces serine 375 with phenylalanine.
Molecular consequence: missense variant.
Genome position (GRCh38, 1-based): chr11:89,227,910, C>T. VCF-style: chr11-89227910-C-T. GRCh37 (hg19) VCF-style: chr11-88961078-C-T.
Other names: short protein forms S375F.
Identifiers: ClinVar variation 3721081 (VCV003721081.2).

ClinVar aggregate classification (germline): Pathogenic (1 of 4 stars; one submission).

gnomAD v4.1: 3 of 1,613,544 alleles (0.00019%); highest among the groups gnomAD compares: South Asian, 0.0022%; no homozygotes.

Submission:

Labcorp Genetics (formerly Invitae), Labcorp
Classification: Pathogenic. Last evaluated: 2024-05-16. Review status: criteria provided, single submitter. Criteria: Invitae Variant Classification Sherloc (09022015). Collection method: clinical testing. Allele origin: germline.
Comment: This sequence change replaces serine, which is neutral and polar, with phenylalanine, which is neutral and non-polar, at codon 375 of the TYR protein (p.Ser375Phe). This variant is not present in population databases (gnomAD no frequency). This missense change has been observed in individual(s) with albinism (PMID: 27734839). Advanced modeling of protein sequence and biophysical properties (such as structural, functional, and spatial information, amino acid conservation, physicochemical variation, residue mobility, and thermodynamic stability) performed at Invitae indicates that this missense variant is expected to disrupt TYR protein function with a positive predictive value of 80%. For these reasons, this variant has been classified as Pathogenic.

Literature cited by the submitters: PubMed 27734839.